The following is an entry in ClinVar:

NM_000539.3(RHO):c.762CAT[2] (p.Ile256del)

Gene: RHO (rhodopsin; plus strand). Cytogenetic location: 3q22.1.
Variant type: Microsatellite.
Coding change: c.762CAT[2] on transcript NM_000539.3 (MANE Select); two copies in a row of the 3-base unit CAT starting at c.762; the reference has three copies in a row; one copy, 3 bases deleted; also written c.768_770del.
Protein change: p.Ile256del; deletes isoleucine 256.
Molecular consequence: inframe deletion.
Genome position (GRCh38, 1-based): chr3:129,532,604-129,532,606, CAT deleted; deleting any 3 consecutive bases within chr3:129,532,597-129,532,606 gives the same sequence; the position shown is the placement nearest the transcript's 3' end. VCF-style (leftmost placement, unchanged base first): chr3-129532596-GTCA-G. GRCh37 (hg19) VCF-style: chr3-129251439-GTCA-G.
Other names: RHO, 3-BP DEL, ILE255DEL; I255del; c.768_770del (NM_000539.3); short protein forms I256del.
Identifiers: ClinVar variation 497286 (VCV000497286.58), dbSNP rs1553781360, ClinGen allele CA658796376.

ClinVar aggregate classification (germline): Conflicting classifications of pathogenicity. Review status: criteria provided, conflicting classifications (1 of 4 stars). 7 submissions from 7 submitters: Pathogenic (3); Likely pathogenic (2); Uncertain significance (1). 1 of the submissions does not count toward it. Last evaluated 2024-08-02.

Conditions:
RHO-related disorder. Also called: RHO-related condition.
Retinitis pigmentosa 4 (RP4). Also called: RETINITIS PIGMENTOSA, RHODOPSIN-RELATED. Identifiers: Orphanet 791, MedGen C3151001, MONDO:0013395, OMIM 613731.
Retinal dystrophy. Also called: Inherited retinal dystrophy. Identifiers: Orphanet 71862, MedGen C0854723, MeSH D058499, MONDO:0019118, HP:0000556.

Submissions (7):

Labcorp Genetics (formerly Invitae), Labcorp
Classification: Pathogenic. Last evaluated: 2024-08-02. Review status: criteria provided, single submitter. Criteria: Invitae Variant Classification Sherloc (09022015). Collection method: clinical testing. Allele origin: germline.
Comment: This variant, c.768_770del, results in the deletion of 1 amino acid(s) of the RHO protein (p.Ile256del), but otherwise preserves the integrity of the reading frame. This variant is not present in population databases (gnomAD no frequency). This variant has been observed in individuals with autosomal dominant retinitis pigmentosa (PMID: 1985460, 20832389, 28076437). It has also been observed to segregate with disease in related individuals. ClinVar contains an entry for this variant (Variation ID: 497286). For these reasons, this variant has been classified as Pathogenic.

3billion
Classification: Likely pathogenic for Retinitis pigmentosa 4. Last evaluated: 2023-09-14. Review status: criteria provided, single submitter. Criteria: ACMG Guidelines, 2015. Collection method: clinical testing. Allele origin: germline. Affected: yes.
Comment: The variant is not observed in the gnomAD v2.1.1 dataset. Predicted Consequence/Location: Inframe deletion located in a nonrepeat region: predicted to change the length of the protein and disrupt normal protein function. The variant has been reported to co-segregate with the disease in at least 7 similarly affected relatives/individuals in at least two unrelated families (PMID: 1985460). The variant has been reported to be associated with RHO related disorder (ClinVar ID: VCV000497286 /PMID: 1985460). Therefore, this variant is classified as Likely pathogenic according to the recommendation of ACMG/AMP guideline.

Blueprint Genetics
Classification: Pathogenic for RHO-related disorders. Last evaluated: 2022-03-25. Review status: criteria provided, single submitter. Criteria: ACMG Guidelines, 2015. Collection method: clinical testing. Allele origin: germline. Affected: yes. Observed: 5 variant alleles.

CeGaT Center for Human Genetics Tuebingen
Classification: Pathogenic. Last evaluated: 2019-01-01. Review status: criteria provided, single submitter. Criteria: CeGaT Center For Human Genetics Tuebingen Variant Classification Criteria Version 2. Collection method: clinical testing. Allele origin: germline. Affected: yes. Observed: 2 variant alleles.

Institute of Human Genetics, Univ. Regensburg, Univ. Regensburg
Classification: Likely pathogenic for Retinal dystrophy. Last evaluated: 2017-01-01. Review status: criteria provided, single submitter. Criteria: ACMG Guidelines, 2015. Collection method: clinical testing. Allele origin: germline. Affected: yes.

Eurofins Ntd Llc (ga)
Classification: Uncertain significance. Last evaluated: 2016-10-13. Review status: criteria provided, single submitter. Criteria: EGL Classification Definitions 2015. Collection method: clinical testing. Allele origin: germline. Observed: 1 variant allele, 1 heterozygote.

OMIM
Classification: Pathogenic for RETINITIS PIGMENTOSA 4. Last evaluated: 1992-03-01. Review status: no assertion criteria provided. Collection method: literature only. Allele origin: germline. Not counted in ClinVar's aggregate classification.

Literature cited by the submitters: PubMed 1985460 (cited by 3 submitters); PubMed 20832389 (cited by Labcorp Genetics (formerly Invitae), Labcorp); PubMed 28076437 (cited by Labcorp Genetics (formerly Invitae), Labcorp); PubMed 30977563 (cited by Institute of Human Genetics, Univ. Regensburg, Univ. Regensburg); PubMed 32531858 (cited by Institute of Human Genetics, Univ. Regensburg, Univ. Regensburg); PubMed 36284460 (cited by Institute of Human Genetics, Univ. Regensburg, Univ. Regensburg); PubMed 1539595 (cited by OMIM).